The following is an entry in ClinVar:

ClinVar aggregate classification (germline): Uncertain significance (1 of 4 stars; one submission).

Allele frequency attached by ClinVar (database versions not stated): gnomAD exomes below 0.00001.

Submission:

GeneDx
Classification: Uncertain significance. Last evaluated: 2020-12-11. Review status: criteria provided, single submitter. Criteria: GeneDx Variant Classification Process June 2021. Collection method: clinical testing. Allele origin: germline. Affected: yes.
Comment: Not observed at a significant frequency in large population cohorts (Lek et al., 2016); In silico analysis supports that this missense variant has a deleterious effect on protein structure/function; Has not been previously published as pathogenic or benign to our knowledge

NM_001145809.2(MYH14):c.1700G>C (p.Trp567Ser)

Gene: MYH14 (myosin heavy chain 14; plus strand). Cytogenetic location: 19q13.33.
Variant type: single nucleotide variant.
Coding change: c.1700G>C on transcript NM_001145809.2 (MANE Select); coding-DNA position 1700, G replaced by C.
Protein change: p.Trp567Ser; replaces tryptophan 567 with serine.
Molecular consequence: missense variant.
Genome position (GRCh38, 1-based): chr19:50,250,558, G>C. VCF-style: chr19-50250558-G-C. GRCh37 (hg19) VCF-style: chr19-50753815-G-C.
Other names: c.1700G>C, p.Trp567Ser (NM_001077186.2); c.1676G>C, p.Trp559Ser (NM_024729.4); short protein forms W559S, W567S.
Identifiers: ClinVar variation 1304228 (VCV001304228.2), dbSNP rs1226454688, ClinGen allele CA406960006.
Genomic context (GRCh38, chr19:50,250,558, plus strand): 5'-CTGCTGTCAATGGCCAGGCCAACCCCCCTGGACTCCTGGCCCTGCTGGATGAGGAGTGCT[G>C]GTTCCCGAAGGCCACAGACAAGTCGTTTGTGGAGAAGGTAGCCCAGGAGCAGGGCGGCCA-3'
Protein context (NP_001139281.1, residues 557-577): GLLALLDEEC[Trp567Ser]FPKATDKSFV